The following is an entry in ClinVar:

NM_198525.3(KIF7):c.3988C>T (p.Arg1330Ter)

Gene: KIF7 (kinesin family member 7; minus strand). Cytogenetic location: 15q26.1.
Variant type: single nucleotide variant.
Coding change: c.3988C>T on transcript NM_198525.3 (MANE Select); coding-DNA position 3988, C replaced by T.
Protein change: p.Arg1330Ter; replaces arginine 1330 with a stop codon.
Molecular consequence: nonsense.
Genome position (GRCh38, 1-based): chr15:89,628,463, G>A on the plus strand (C>T on the coding strand, the complement: KIF7 is on the minus strand). VCF-style: chr15-89628463-G-A. GRCh37 (hg19) VCF-style: chr15-90171694-G-A.
Other names: short protein forms R1330*.
Identifiers: ClinVar variation 3642943 (VCV003642943.2).
Genomic context (GRCh38, chr15:89,628,463, plus strand): 5'-GGTCTGCCCCGAGGGCTTACAGGGGGTTTTTCCGGACATCAATCATCCCCGGGCTGGCTC[G>A]TCGCAGTTCCCGCCGGGGCTTGGACAAAGGCCCAAAGTTCCAGGGCAGGCCTGCCTCACC-3'

ClinVar aggregate classification (germline): Uncertain significance (1 of 4 stars; one submission).

Conditions:
Acrocallosal syndrome (ACLS). Also called: HALLUX DUPLICATION, POSTAXIAL POLYDACTYLY, AND ABSENCE OF CORPUS CALLOSUM; Schinzel syndrome 1; Absence of corpus callosum with unusual facial appearance, mental deficiency, duplication of the halluces and polydactyly. Identifiers: Orphanet 36, MedGen C0796147, MONDO:0008708, OMIM 200990.

Submission:

Labcorp Genetics (formerly Invitae), Labcorp
Classification: Uncertain significance for Acrocallosal syndrome. Last evaluated: 2024-08-05. Review status: criteria provided, single submitter. Criteria: Invitae Variant Classification Sherloc (09022015). Collection method: clinical testing. Allele origin: germline.
Comment: This sequence change creates a premature translational stop signal (p.Arg1330*) in the KIF7 gene. While this is not anticipated to result in nonsense mediated decay, it is expected to disrupt the last 14 amino acid(s) of the KIF7 protein. This variant is present in population databases (rs370123540, gnomAD 0.02%). This variant has not been reported in the literature in individuals affected with KIF7-related conditions. Experimental studies and prediction algorithms are not available or were not evaluated, and the functional significance of this variant is currently unknown. In summary, the available evidence is currently insufficient to determine the role of this variant in disease. Therefore, it has been classified as a Variant of Uncertain Significance.